The following is an entry in ClinVar:

NM_001081.4(CUBN):c.434G>A (p.Gly145Glu)

Gene: CUBN (cubilin; minus strand). Cytogenetic location: 10p13.
Variant type: single nucleotide variant.
Coding change: c.434G>A on transcript NM_001081.4 (MANE Select); coding-DNA position 434, G replaced by A.
Protein change: p.Gly145Glu; replaces glycine 145 with glutamic acid.
Molecular consequence: missense variant.
Genome position (GRCh38, 1-based): chr10:17,123,643, C>T on the plus strand (G>A on the coding strand, the complement: CUBN is on the minus strand). VCF-style: chr10-17123643-C-T. GRCh37 (hg19) VCF-style: chr10-17165642-C-T.
Other names: short protein forms G145E.
Identifiers: ClinVar variation 56340 (VCV000056340.2), dbSNP rs386833788, ClinGen allele CA144296.
Genomic context (GRCh38, chr10:17,123,643, plus strand): 5'-CTCACCTTCCACTGTGGGGGACAGATACAAAAAAAGGAATCATGCAGATTGAGGCAGGTT[C>T]CACCATTCTGGCAAGGATTGCTGCTGCAAACCTTTTTGTCAACAGTCTGAAACAAAAACA-3'
Protein context (NP_001072.2, residues 135-155): VCSSNPCQNG[Gly145Glu]TCLNLHDSFF

ClinVar aggregate classification (germline): Likely pathogenic (0 of 4 stars; one submission).

Conditions:
Imerslund-Grasbeck syndrome. Also called: PERNICIOUS ANEMIA, JUVENILE, DUE TO SELECTIVE INTESTINAL MALABSORPTION OF VITAMIN B12, WITH PROTEINURIA; Megaloblastic anemia due to inborn errors of metabolism; Imerslund-Gräsbeck syndrome; ENTEROCYTE COBALAMIN MALABSORPTION; ENTEROCYTE INTRINSIC FACTOR RECEPTOR, DEFECT OF. Identifiers: Orphanet 35858, MedGen C4551825, MONDO:0009853.

Submission:

Juha Muilu Group; Institute for Molecular Medicine Finland (FIMM)
Classification: Likely pathogenic for Megaloblastic anemia due to inborn errors of metabolism. Review status: no assertion criteria provided. Collection method: not provided. Allele origin: unknown.
Comment: FinDis database variant: This variant was not found or characterized by our laboratory, data were collected from public sources: see reference
ClinVar note: Converted during submission from probable-pathogenic to Likely pathogenic.